The following is an entry in ClinVar:

NM_001042492.3(NF1):c.2159G>T (p.Arg720Leu)

Gene: NF1 (neurofibromin 1; plus strand). Cytogenetic location: 17q11.2.
Variant type: single nucleotide variant.
Coding change: c.2159G>T on transcript NM_001042492.3 (MANE Select); coding-DNA position 2159, G replaced by T.
Protein change: p.Arg720Leu; replaces arginine 720 with leucine.
Molecular consequence: missense variant.
Genome position (GRCh38, 1-based): chr17:31,226,592, G>T. VCF-style: chr17-31226592-G-T. GRCh37 (hg19) VCF-style: chr17-29553610-G-T.
Other names: c.2159G>T, p.Arg720Leu (NM_000267.4); short protein forms R720L.
Identifiers: ClinVar variation 1399190 (VCV001399190.6), dbSNP rs1350468182, ClinGen allele CA398982387.

ClinVar aggregate classification (germline): Uncertain significance (1 of 4 stars; one submission).

Conditions:
Neurofibromatosis, type 1 (NF1). Also called: NEUROFIBROMATOSIS, TYPE I, SOMATIC; Peripheral type neurofibromatosis; Neurofibromatosis, type I; VON RECKLINGHAUSEN DISEASE. Identifiers: Orphanet 636, MedGen C0027831, MONDO:0018975, OMIM 162200. Disease mechanism: loss of function.

Submission:

Labcorp Genetics (formerly Invitae), Labcorp
Classification: Uncertain significance for Neurofibromatosis, type 1. Last evaluated: 2021-11-20. Review status: criteria provided, single submitter. Criteria: Invitae Variant Classification Sherloc (09022015). Collection method: clinical testing. Allele origin: germline.
Comment: In summary, the available evidence is currently insufficient to determine the role of this variant in disease. Therefore, it has been classified as a Variant of Uncertain Significance. Advanced modeling of protein sequence and biophysical properties (such as structural, functional, and spatial information, amino acid conservation, physicochemical variation, residue mobility, and thermodynamic stability) performed at Invitae indicates that this missense variant is expected to disrupt NF1 protein function. This variant has not been reported in the literature in individuals affected with NF1-related conditions. This variant is not present in population databases (gnomAD no frequency). This sequence change replaces arginine, which is basic and polar, with leucine, which is neutral and non-polar, at codon 720 of the NF1 protein (p.Arg720Leu).